The following is an entry in ClinVar:

NM_020975.6(RET):c.3190A>C (p.Met1064Leu)

Gene: RET (ret proto-oncogene; plus strand). Cytogenetic location: 10q11.21.
Variant type: single nucleotide variant.
Coding change: c.3190A>C on transcript NM_020975.6 (MANE Select); coding-DNA position 3190, A replaced by C.
Protein change: p.Met1064Leu; replaces methionine 1064 with leucine.
Molecular consequence: missense variant.
Genome position (GRCh38, 1-based): chr10:43,128,114, A>C. VCF-style: chr10-43128114-A-C. GRCh37 (hg19) VCF-style: chr10-43623562-A-C.
Other names: c.3190A>C, p.Met1064Leu (NM_000323.2, NM_001406743.1); c.*1360A>C (NM_001355216.2, NM_001406764.1, NM_001406765.1 and 15 more transcripts); c.3130A>C, p.Met1044Leu (NM_001406759.1, NM_001406760.1); c.3061A>C, p.Met1021Leu (NM_001406761.1, NM_001406762.1); c.3055A>C, p.Met1019Leu (NM_001406763.1); c.2902A>C, p.Met968Leu (NM_001406766.1, NM_001406767.1); c.2794A>C, p.Met932Leu (NM_001406769.1); c.2752A>C, p.Met918Leu (NM_001406771.1); and 7 more; short protein forms M1019L, M1064L, M581L, M765L, M932L, M561L, M722L, M822L.
Identifiers: ClinVar variation 2045181 (VCV002045181.4), dbSNP rs2538660509, ClinGen allele CA376558739.

ClinVar aggregate classification (germline): Uncertain significance (1 of 4 stars; one submission).

Conditions:
Multiple endocrine neoplasia, type 2 (MEN2). Identifiers: Orphanet 653, MedGen C4048306, MONDO:0019003. Disease mechanism: gain of function.

Submission:

Labcorp Genetics (formerly Invitae), Labcorp
Classification: Uncertain significance for Multiple endocrine neoplasia, type 2. Last evaluated: 2021-12-17. Review status: criteria provided, single submitter. Criteria: Invitae Variant Classification Sherloc (09022015). Collection method: clinical testing. Allele origin: germline.
Comment: In summary, the available evidence is currently insufficient to determine the role of this variant in disease. Therefore, it has been classified as a Variant of Uncertain Significance. Algorithms developed to predict the effect of missense changes on protein structure and function (SIFT, PolyPhen-2, Align-GVGD) all suggest that this variant is likely to be tolerated. This variant has not been reported in the literature in individuals affected with RET-related conditions. This variant is not present in population databases (gnomAD no frequency). This sequence change replaces methionine, which is neutral and non-polar, with leucine, which is neutral and non-polar, at codon 1064 of the RET protein (p.Met1064Leu).